The following is an entry in ClinVar:

NM_007118.4(TRIO):c.4045G>A (p.Glu1349Lys)

Gene: TRIO (trio Rho guanine nucleotide exchange factor; plus strand). Cytogenetic location: 5p15.2.
Variant type: single nucleotide variant.
Coding change: c.4045G>A on transcript NM_007118.4 (MANE Select); coding-DNA position 4045, G replaced by A.
Protein change: p.Glu1349Lys; replaces glutamic acid 1349 with lysine.
Molecular consequence: missense variant. On other transcripts: non-coding transcript variant (1).
Genome position (GRCh38, 1-based): chr5:14,389,385, G>A. VCF-style: chr5-14389385-G-A. GRCh37 (hg19) VCF-style: chr5-14389494-G-A.
Other names: short protein forms E1349K.
Identifiers: ClinVar variation 1212728 (VCV001212728.3), dbSNP rs1160204718, ClinGen allele CA359230125.

ClinVar aggregate classification (germline): Uncertain significance (1 of 4 stars; one submission).

Allele frequency attached by ClinVar (database versions not stated): TOPMed 0.00001.
gnomAD v4.1: 1 of 1,609,630 alleles (0.000062%); highest among the groups gnomAD compares: Non-Finnish European, 0.000085%; no homozygotes.

Submission:

GeneDx
Classification: Uncertain significance. Last evaluated: 2020-10-21. Review status: criteria provided, single submitter. Criteria: GeneDx Variant Classification Process June 2021. Collection method: clinical testing. Allele origin: germline. Affected: yes.
Comment: Not observed in large population cohorts (Lek et al., 2016); In silico analysis, which includes protein predictors and evolutionary conservation, supports that this variant does not alter protein structure/function; Has not been previously published as pathogenic or benign to our knowledge